The following is an entry in ClinVar:

NC_000008.10:g.(?_42129619)_(42329908_?)del

Genes: DKK4 (dickkopf WNT signaling pathway inhibitor 4; minus strand), IKBKB (inhibitor of nuclear factor kappa B kinase subunit beta; plus strand), POLB (DNA polymerase beta; plus strand), SLC20A2 (solute carrier family 20 member 2; minus strand), VDAC3 (voltage dependent anion channel 3; plus strand). Cytogenetic location: 8p11.21.
Variant type: Deletion.
Identifiers: ClinVar variation 3245574 (VCV003245574.1).

ClinVar aggregate classification (germline): Pathogenic (1 of 4 stars; one submission).

Submission:

Labcorp Genetics (formerly Invitae), Labcorp
Classification: Pathogenic. Last evaluated: 2023-08-02. Review status: criteria provided, single submitter. Criteria: Invitae Variant Classification Sherloc (09022015). Collection method: clinical testing. Allele origin: unknown.
Comment: For these reasons, this variant has been classified as Pathogenic. Isolated whole-gene deletions of SLC20A2 have not been reported in the literature. However, larger copy number events that include this gene have been reported (PMID: 24135862, 30891739, 31133547). A gross deletion of the genomic region encompassing the full coding sequence of the SLC20A2 gene has been identified. Loss-of-function variants in SLC20A2 are known to be pathogenic (PMID: 23334463). The boundaries of this event are unknown as they extend beyond the assayed region for this gene and therefore may encompass additional genes.

Literature cited by the submitters: PubMed 24135862; PubMed 30891739; PubMed 31133547; PubMed 23334463.